The following is an entry in ClinVar:

NM_000135.4(FANCA):c.1543A>C (p.Lys515Gln)

Gene: FANCA (FA complementation group A; minus strand). Cytogenetic location: 16q24.3.
Variant type: single nucleotide variant.
Coding change: c.1543A>C on transcript NM_000135.4 (MANE Select); coding-DNA position 1543, A replaced by C.
Protein change: p.Lys515Gln; replaces lysine 515 with glutamine.
Molecular consequence: missense variant.
Genome position (GRCh38, 1-based): chr16:89,783,030, T>G on the plus strand (A>C on the coding strand, the complement: FANCA is on the minus strand). VCF-style: chr16-89783030-T-G. GRCh37 (hg19) VCF-style: chr16-89849438-T-G.
Other names: c.1543A>C, p.Lys515Gln (NM_001286167.3); short protein forms K515Q.
Identifiers: ClinVar variation 1009157 (VCV001009157.10), dbSNP rs1355805026, ClinGen allele CA397458093.
Genomic context (GRCh38, chr16:89,783,030, plus strand): 5'-GACAGGTGTGAGGAGTGGGCATGGAGGGACAGCTTGCCTTGAGGTCGGCCAGCCGTGTCT[T>G]GGCCAATGAGATGTAGTCTGTGAGGAGGGAGCGGTACTTGCCGGGAACCAGGGGTGGGTG-3'
Protein context (NP_000126.2, residues 505-525): SLLTDYISLA[Lys515Gln]TRLADLKVSI

ClinVar aggregate classification (germline): Uncertain significance. Review status: criteria provided, multiple submitters, no conflicts (2 of 4 stars). 3 submissions from 3 submitters: Uncertain significance (2). 1 of the submissions does not count toward it. Last evaluated 2026-02-11.

Conditions:
Fanconi anemia complementation group A (FANCA). Also called: FANCA-Related Fanconi Anemia; Fanconi anemia, group A. Identifiers: Orphanet 84, MedGen C3469521, MONDO:0009215, OMIM 227650.
Fanconi anemia (FA). Also called: Fanconi's anemia. Identifiers: Orphanet 84, MedGen C0015625, MeSH D005199, MONDO:0019391.

Allele frequency attached by ClinVar (database versions not stated): TOPMed 0.00002; gnomAD 0.00003.
gnomAD v4.1: 7 of 1,613,964 alleles (0.00043%); highest among the groups gnomAD compares: African/African-American, 0.0093%; no homozygotes.

Submissions (3):

St. Jude Molecular Pathology, St. Jude Children's Research Hospital
Classification: Uncertain significance for Fanconi anemia complementation group A. Last evaluated: 2026-02-11. Review status: criteria provided, single submitter. Criteria: St. Jude Assertion Criteria 2020. Collection method: clinical testing. Allele origin: germline.
Comment: The FANCA c.1543A>C p.(Lys515Gln) missense change is absent in gnomAD v2.1.1. The in silico tool REVEL is inconclusive about a pathogenic or benign effect of this variant on protein function, and to our knowledge functional studies have not been performed. To our knowledge, this variant has not been reported in individuals with Fanconi anemia. In summary, the evidence currently available is insufficient to determine the clinical significance of this variant. It has therefore been classified as of uncertain significance.

Labcorp Genetics (formerly Invitae), Labcorp
Classification: Uncertain significance for Fanconi anemia. Last evaluated: 2021-08-30. Review status: criteria provided, single submitter. Criteria: Invitae Variant Classification Sherloc (09022015). Collection method: clinical testing. Allele origin: germline.
Comment: This sequence change replaces lysine with glutamine at codon 515 of the FANCA protein (p.Lys515Gln). The lysine residue is highly conserved and there is a small physicochemical difference between lysine and glutamine. This variant is not present in population databases (ExAC no frequency). This variant has not been reported in the literature in individuals affected with FANCA-related conditions. Algorithms developed to predict the effect of missense changes on protein structure and function are either unavailable or do not agree on the potential impact of this missense change (SIFT: "Deleterious"; PolyPhen-2: "Benign"; Align-GVGD: "Class C0"). In summary, the available evidence is currently insufficient to determine the role of this variant in disease. Therefore, it has been classified as a Variant of Uncertain Significance.

Natera, Inc.
Classification: Uncertain significance for Fanconi anemia. Last evaluated: 2020-09-28. Review status: no assertion criteria provided. Collection method: clinical testing. Allele origin: germline. Not counted in ClinVar's aggregate classification.